The following is an entry in ClinVar:

ClinVar aggregate classification (germline): Uncertain significance (1 of 4 stars; one submission).

Allele frequency attached by ClinVar (database versions not stated): gnomAD exomes below 0.00001.
gnomAD v4.1: 2 of 1,614,090 alleles (0.00012%); highest among the groups gnomAD compares: Non-Finnish European, 0.00017%; no homozygotes.

Submission:

GeneDx
Classification: Uncertain significance. Last evaluated: 2023-03-24. Review status: criteria provided, single submitter. Criteria: GeneDx Variant Classification Process June 2021. Collection method: clinical testing. Allele origin: germline. Affected: yes.
Comment: Not observed at significant frequency in large population cohorts (gnomAD); In silico analysis supports that this missense variant has a deleterious effect on protein structure/function; Has not been previously published as pathogenic or benign to our knowledge

NM_001134232.2(TMEM106B):c.142T>C (p.Phe48Leu)

Gene: TMEM106B (transmembrane protein 106B; plus strand). Cytogenetic location: 7p21.3.
Variant type: single nucleotide variant.
Coding change: c.142T>C on transcript NM_001134232.2 (MANE Select); coding-DNA position 142, T replaced by C.
Protein change: p.Phe48Leu; replaces phenylalanine 48 with leucine.
Molecular consequence: missense variant.
Genome position (GRCh38, 1-based): chr7:12,214,952, T>C. VCF-style: chr7-12214952-T-C. GRCh37 (hg19) VCF-style: chr7-12254578-T-C.
Other names: c.142T>C, p.Phe48Leu (NM_018374.4); short protein forms F48L.
Identifiers: ClinVar variation 2580502 (VCV002580502.1), dbSNP rs2534902548, ClinGen allele CA366853745.
Genomic context (GRCh38, chr7:12,214,952, plus strand): 5'-AATGGACTGGTTAATAGTGAAGTCCATAATGAAGATGGAAGAAATGGAGATGTCTCTCAG[T>C]TTCCATATGTGGAATTTACAGGAAGAGATAGTGTCACCTGCCCTACTTGTCAGGGAACAG-3'
Protein context (NP_001127704.1, residues 38-58): EDGRNGDVSQ[Phe48Leu]PYVEFTGRDS